The following is an entry in ClinVar:

ClinVar aggregate classification (germline): Likely benign. Review status: criteria provided, multiple submitters, no conflicts (2 of 4 stars). 3 submissions from 3 submitters: Likely benign (3). Last evaluated 2024-10-31.

Conditions:
Neuronal ceroid lipofuscinosis 7 (CLN7). Also called: MFSD8-Related Neuronal Ceroid-Lipofuscinosis. Identifiers: Orphanet 168491, Orphanet 228366, MedGen C1838571, MONDO:0012588, OMIM 610951.

Allele frequency attached by ClinVar (database versions not stated): ExAC 0.00001; gnomAD 0.00001; TOPMed 0.00001; gnomAD exomes 0.00002 and 0.00003.
gnomAD v4.1: 46 of 1,606,358 alleles (0.0029%); highest among the groups gnomAD compares: Non-Finnish European, 0.0037%; no homozygotes.

Submissions (3):

Labcorp Genetics (formerly Invitae), Labcorp
Classification: Likely benign for Neuronal ceroid lipofuscinosis 7. Last evaluated: 2024-10-31. Review status: criteria provided, single submitter. Criteria: Invitae Variant Classification Sherloc (09022015). Collection method: clinical testing. Allele origin: germline.

Blueprint Genetics
Classification: Likely benign. Last evaluated: 2022-02-28. Review status: criteria provided, single submitter. Criteria: ACMG Guidelines, 2015. Collection method: clinical testing. Allele origin: germline.

GeneDx
Classification: Likely benign. Last evaluated: 2017-12-07. Review status: criteria provided, single submitter. Criteria: GeneDx Variant Classification (06012015). Collection method: clinical testing. Allele origin: germline. Affected: yes.
Comment: This variant is considered likely benign or benign based on one or more of the following criteria: it is a conservative change, it occurs at a poorly conserved position in the protein, it is predicted to be benign by multiple in silico algorithms, and/or has population frequency not consistent with disease.

NM_001371596.2(MFSD8):c.999-12G>A

Gene: MFSD8 (major facilitator superfamily domain containing 8; minus strand). Cytogenetic location: 4q28.2.
Variant type: single nucleotide variant.
Coding change: c.999-12G>A on transcript NM_001371596.2 (MANE Select); 12 bases into the intron before coding-DNA position 999, G replaced by A.
Molecular consequence: intron variant.
Genome position (GRCh38, 1-based): chr4:127,921,975, C>T on the plus strand (G>A on the coding strand, the complement: MFSD8 is on the minus strand). VCF-style: chr4-127921975-C-T. GRCh37 (hg19) VCF-style: chr4-128843130-C-T.
Other names: c.717-12G>A (NM_001371595.1); c.549-12G>A (NM_001410765.1); c.864-12G>A (NM_001371590.2); c.999-12G>A (NM_152778.4, NM_001371591.2); c.684-12G>A (NM_001363521.3); c.885-204G>A (NM_001410766.1); c.885-12G>A (NM_001371593.2); c.798-12G>A (NM_001363520.3); and 2 more.
Identifiers: ClinVar variation 513977 (VCV000513977.11), dbSNP rs766315917, ClinGen allele CA3077314.
Genomic context (GRCh38, chr4:127,921,975, plus strand): 5'-AACCCATACAACGATGAGTCCTCCCAGTAGAATAGCACGCTCGCCAATCCTGTTAAAGAA[C>T]AGAAACTCTGTAATTTTAAAATGAAACATTATAACATAGCTTCATTACTTTCATAATTTT-3'